The following is an entry in ClinVar:

ClinVar aggregate classification (germline): Benign (1 of 4 stars; one submission).

Allele frequency attached by ClinVar (database versions not stated): 1000 Genomes Project 0.02296; gnomAD 0.02378 and 0.02520; 1000 Genomes Project 30x 0.02467; TOPMed 0.02760.
gnomAD v4.1: 3,605 of 152,166 alleles (2.4%); highest among the groups gnomAD compares: African/African-American, 6.5%; 97 homozygotes.

Submission:

GeneDx
Classification: Benign. Last evaluated: 2018-06-16. Review status: criteria provided, single submitter. Criteria: GeneDx Variant Classification (06012015). Collection method: clinical testing. Allele origin: germline. Affected: yes.
Comment: This variant is considered likely benign or benign based on one or more of the following criteria: it is a conservative change, it occurs at a poorly conserved position in the protein, it is predicted to be benign by multiple in silico algorithms, and/or has population frequency not consistent with disease.

NM_004130.4(GYG1):c.608+247C>T

Gene: GYG1 (glycogenin 1; plus strand). Cytogenetic location: 3q24.
Variant type: single nucleotide variant.
Coding change: c.608+247C>T on transcript NM_004130.4 (MANE Select); 247 bases into the intron after coding-DNA position 608, C replaced by T.
Molecular consequence: intron variant.
Genome position (GRCh38, 1-based): chr3:149,009,649, C>T. VCF-style: chr3-149009649-C-T. GRCh37 (hg19) VCF-style: chr3-148727436-C-T.
Other names: c.608+247C>T (NM_001184720.2, NM_001184721.2).
Identifiers: ClinVar variation 681674 (VCV000681674.1), dbSNP rs78025018, ClinGen allele CA15273026.